The following is an entry in ClinVar:

ClinVar aggregate classification (germline): Uncertain significance (1 of 4 stars; one submission).

gnomAD v4.1: 4 of 1,614,056 alleles (0.00025%); highest among the groups gnomAD compares: African/African-American, 0.004%; no homozygotes.

Submission:

Labcorp Genetics (formerly Invitae), Labcorp
Classification: Uncertain significance. Last evaluated: 2024-04-09. Review status: criteria provided, single submitter. Criteria: Invitae Variant Classification Sherloc (09022015). Collection method: clinical testing. Allele origin: germline.
Comment: This sequence change replaces glycine, which is neutral and non-polar, with glutamic acid, which is acidic and polar, at codon 484 of the IRF2BP2 protein (p.Gly484Glu). This variant is not present in population databases (gnomAD no frequency). This variant has not been reported in the literature in individuals affected with IRF2BP2-related conditions. An algorithm developed to predict the effect of missense changes on protein structure and function (PolyPhen-2) suggests that this variant is likely to be disruptive. In summary, the available evidence is currently insufficient to determine the role of this variant in disease. Therefore, it has been classified as a Variant of Uncertain Significance.

NM_182972.3(IRF2BP2):c.1451G>A (p.Gly484Glu)

Gene: IRF2BP2 (interferon regulatory factor 2 binding protein 2; minus strand). Cytogenetic location: 1q42.3.
Variant type: single nucleotide variant.
Coding change: c.1451G>A on transcript NM_182972.3 (MANE Select); coding-DNA position 1451, G replaced by A.
Protein change: p.Gly484Glu; replaces glycine 484 with glutamic acid.
Molecular consequence: missense variant.
Genome position (GRCh38, 1-based): chr1:234,607,450, C>T on the plus strand (G>A on the coding strand, the complement: IRF2BP2 is on the minus strand). VCF-style: chr1-234607450-C-T. GRCh37 (hg19) VCF-style: chr1-234743196-C-T.
Other names: c.1403G>A, p.Gly468Glu (NM_001077397.1); short protein forms G484E, G468E.
Identifiers: ClinVar variation 3690117 (VCV003690117.2).